The following is an entry in ClinVar:

ClinVar aggregate classification (germline): Benign. Review status: reviewed by expert panel (3 of 4 stars). 11 submissions from 11 submitters: Benign (1). 10 of the submissions do not count toward it. Last evaluated 2023-02-18.

Conditions:
Classic or attenuated familial adenomatous polyposis. Identifiers: MedGen CN372698, MONDO:0021057.
APC-related disorder. Also called: APC-related condition.
Hereditary cancer-predisposing syndrome. Also called: Neoplastic Syndromes, Hereditary; Tumor predisposition; Hereditary Cancer Syndrome; Hereditary neoplastic syndrome. Identifiers: Orphanet 140162, MedGen C0027672, MeSH D009386, MONDO:0015356.
Familial adenomatous polyposis 1 (FAP1). Also called: FAMILIAL ADENOMATOUS POLYPOSIS 1, ATTENUATED; POLYPOSIS, ADENOMATOUS INTESTINAL. Identifiers: MedGen C2713442, MONDO:0021056, OMIM 175100. Disease mechanism: loss of function.

Allele frequency attached by ClinVar (database versions not stated): gnomAD exomes 0.00002; ExAC 0.00003; gnomAD 0.00004; ESP Exome Variant Server 0.00008; TOPMed 0.00010.
gnomAD v4.1: 30 of 1,613,962 alleles (0.0019%); highest among the groups gnomAD compares: African/African-American, 0.024%; no homozygotes.

Submissions (11):

ClinGen InSiGHT Hereditary Colorectal Cancer/Polyposis Variant Curation Expert Panel
Classification: Benign for Familial adenomatous polyposis 1. Last evaluated: 2023-02-18. Review status: reviewed by expert panel. Criteria: ClinGen InSiGHT HCCP VCEP ACMG Specifications APC V1. Collection method: curation. Allele origin: germline. Inheritance: Autosomal dominant inheritance.
Comment: The c.995G>A variant in APC is a missense variant predicted to cause substitution of Arginine by Glutamine at amino acid 332 (p.Arg332Gln). This variant has been observed in heterozygous state in more than 100 healthy unrelated adult individuals worth more than 10 healthy individual points in total (BS2; Ambry Genetics, Invitae, GeneDX internal data). The allele frequency of the c.995G>A variant in APC is 0.02% for the African sub-population (5/23604 alleles) in the non-cancer dataset from gnomAD (v2.1.1), which is higher than the ClinGen InSiGHT Hereditary Colorectal Cancer/Polyposis Variant Curation Expert Panel (HCCP VCEP) threshold (0.001%) for BS1, and therefore meets BS1. APC is defined by the HCCP VCEP as a gene for which primarily truncating variants are known to cause disease (BP1). In summary, this variant meets the criteria to be classified as Benign for FAP based on the ACMG/AMP criteria applied, as specified by the HCCP VCEP: BS1, BS2 and BP1 (VCEP specifications version 1; date of approval: 12/12/2022).

Labcorp Genetics (formerly Invitae), Labcorp
Classification: Uncertain significance for Familial adenomatous polyposis 1. Last evaluated: 2026-02-02. Review status: criteria provided, single submitter. Criteria: Invitae Variant Classification Sherloc (09022015). Collection method: clinical testing. Allele origin: germline. Not counted in ClinVar's aggregate classification.
Comment: This sequence change replaces arginine, which is basic and polar, with glutamine, which is neutral and polar, at codon 332 of the APC protein (p.Arg332Gln). This variant is present in population databases (rs377665107, gnomAD 0.02%). This variant has not been reported in the literature in individuals affected with APC-related conditions. ClinVar contains an entry for this variant (Variation ID: 187754). Invitae Evidence Modeling of protein sequence and biophysical properties (such as structural, functional, and spatial information, amino acid conservation, physicochemical variation, residue mobility, and thermodynamic stability) indicates that this missense variant is not expected to disrupt APC protein function with a negative predictive value of 95%. In summary, the available evidence is currently insufficient to determine the role of this variant in disease. Therefore, it has been classified as a Variant of Uncertain Significance.

Color Diagnostics, LLC DBA Color Health
Classification: Likely benign for Hereditary cancer-predisposing syndrome. Last evaluated: 2025-03-31. Review status: criteria provided, single submitter. Criteria: ACMG Guidelines, 2015. Collection method: clinical testing. Allele origin: germline. Not counted in ClinVar's aggregate classification.

All of Us Research Program, National Institutes of Health
Classification: Uncertain significance for Classic or attenuated familial adenomatous polyposis. Last evaluated: 2023-12-01. Review status: criteria provided, single submitter. Criteria: ACMG Guidelines, 2015. Collection method: clinical testing. Allele origin: germline. Inheritance: Autosomal dominant inheritance. Observed: 9 variant alleles, 9 heterozygotes. Not counted in ClinVar's aggregate classification.
Comment: This missense variant replaces arginine with glutamine at codon 332 of the APC protein. Computational prediction is inconclusive regarding the impact of this variant on protein structure and function (internally defined REVEL score threshold 0.5 < inconclusive < 0.7, PMID: 27666373). To our knowledge, functional studies have not been reported for this variant. This variant has not been reported in individuals affected with hereditary cancer in the literature. This variant has been identified in 8/282470 chromosomes in the general population by the Genome Aggregation Database (gnomAD). The available evidence is insufficient to determine the role of this variant in disease conclusively. Therefore, this variant is classified as a Variant of Uncertain Significance.

This study involves interpretation of variants in research participants for the purpose of population health screening. Participant phenotype was not available at the time of variant classification. Additional details can be found in publication PMID: 35346344, PMCID: PMC8962531

Department of Pathology and Laboratory Medicine, Sinai Health System
Classification: Uncertain significance for Familial adenomatous polyposis 1. Last evaluated: 2023-02-27. Review status: criteria provided, single submitter. Criteria: ACMG Guidelines, 2015. Collection method: research. Allele origin: germline. Not counted in ClinVar's aggregate classification.

Myriad Genetics, Inc.
Classification: Uncertain significance for Familial adenomatous polyposis 1. Last evaluated: 2023-02-15. Review status: criteria provided, single submitter. Criteria: Myriad Autosomal Dominant, Autosomal Recessive and X-Linked Classification Criteria (2023). Collection method: clinical testing. Allele origin: unknown. Not counted in ClinVar's aggregate classification.
Comment: This variant is classified as a variant of uncertain significance as there is insufficient evidence to determine its impact on protein function and/or cancer risk.

Sema4
Classification: Uncertain significance for Hereditary cancer-predisposing syndrome. Last evaluated: 2021-06-28. Review status: criteria provided, single submitter. Criteria: Sema4 Curation Guidelines. Collection method: curation. Allele origin: germline. Not counted in ClinVar's aggregate classification.
Comment: To the best of our knowledge, the APC c.995G>A (p.R332Q) variant has not been reported in individuals with APC-related disease. It was observed in 5/24958 chromosomes of the African/African American subpopulation in the large and broad cohorts of the Genome Aggregation Database (PMID: 32461654). This variant has been reported in ClinVar (Variation ID 187754). In silico tools suggest the impact of the variant on protein function is inconclusive though these predictions have not been confirmed by functional studies. The evidence is insufficient to meet ACMG/AMP criteria for classifying the variant as benign or pathogenic. Thus, the clinical significance of this variant is currently uncertain.

Ambry Genetics
Classification: Likely benign for Hereditary cancer-predisposing syndrome. Last evaluated: 2020-06-18. Review status: criteria provided, single submitter. Criteria: Ambry Variant Classification Scheme 2023. Collection method: clinical testing. Allele origin: germline. Not counted in ClinVar's aggregate classification.

GeneDx
Classification: Uncertain significance. Last evaluated: 2020-03-23. Review status: criteria provided, single submitter. Criteria: GeneDx Variant Classification Process June 2021. Collection method: clinical testing. Allele origin: germline. Affected: yes. Not counted in ClinVar's aggregate classification.
Comment: In silico analysis supports that this missense variant has a deleterious effect on protein structure/function; Has not been previously published as pathogenic or benign to our knowledge; This variant is associated with the following publications: (PMID: 27329244, 26917275)

PreventionGenetics, part of Exact Sciences
Classification: Likely benign for APC-related condition. Last evaluated: 2024-07-25. Review status: no assertion criteria provided. Collection method: clinical testing. Allele origin: germline. Not counted in ClinVar's aggregate classification.
Comment: This variant is classified as likely benign based on ACMG/AMP sequence variant interpretation guidelines (Richards et al. 2015 PMID: 25741868, with internal and published modifications).

Counsyl
Classification: Uncertain significance for Familial adenomatous polyposis 1. Last evaluated: 2017-10-17. Review status: no assertion criteria provided. Collection method: clinical testing. Allele origin: unknown. Not counted in ClinVar's aggregate classification.

NM_000038.6(APC):c.995G>A (p.Arg332Gln)

Gene: APC (APC regulator of Wnt signaling pathway; plus strand). Cytogenetic location: 5q22.2.
Variant type: single nucleotide variant.
Coding change: c.995G>A on transcript NM_000038.6 (MANE Select); coding-DNA position 995, G replaced by A.
Protein change: p.Arg332Gln; replaces arginine 332 with glutamine.
Molecular consequence: missense variant. On other transcripts: intron variant (4).
Genome position (GRCh38, 1-based): chr5:112,819,027, G>A. VCF-style: chr5-112819027-G-A. GRCh37 (hg19) VCF-style: chr5-112154724-G-A.
Other names: NM_000038.6(APC):c.995G>A; p.Arg332Gln; c.995G>A, p.Arg332Gln (NM_001127510.3, NM_001354895.2, NM_001354896.2); c.941G>A, p.Arg314Gln (NM_001127511.3); c.1025G>A, p.Arg342Gln (NM_001354897.2); c.920G>A, p.Arg307Gln (NM_001354898.2); c.911G>A, p.Arg304Gln (NM_001354899.2); c.818G>A, p.Arg273Gln (NM_001354900.2, NM_001354901.2); and 5 more; short protein forms R314Q, R332Q, R273Q, R49Q, R307Q, R304Q, R342Q.
Identifiers: ClinVar variation 187754 (VCV000187754.29), dbSNP rs377665107, ClinGen allele CA016051.
Genomic context (GRCh38, chr5:112,819,027, plus strand): 5'-TGGAAATGGTGTATTCATTGTTGTCAATGCTTGGTACTCATGATAAGGATGATATGTCGC[G>A]AACTTTGCTAGCTATGTCTAGCTCCCAAGACAGCTGTATATCCATGCGACAGTCTGGATG-3'
Protein context (NP_000029.2, residues 322-342): LGTHDKDDMS[Arg332Gln]TLLAMSSSQD